The following is an entry in ClinVar:

NM_021020.5(LZTS1):c.509C>T (p.Ala170Val)

Gene: LZTS1 (leucine zipper tumor suppressor 1; minus strand). Cytogenetic location: 8p21.3.
Variant type: single nucleotide variant.
Coding change: c.509C>T on transcript NM_021020.5 (MANE Select); coding-DNA position 509, C replaced by T.
Protein change: p.Ala170Val; replaces alanine 170 with valine.
Molecular consequence: missense variant.
Genome position (GRCh38, 1-based): chr8:20,253,422, G>A on the plus strand (C>T on the coding strand, the complement: LZTS1 is on the minus strand). VCF-style: chr8-20253422-G-A. GRCh37 (hg19) VCF-style: chr8-20110933-G-A.
Other names: c.509C>T, p.Ala170Val (NM_001362884.2); short protein forms A170V.
Identifiers: ClinVar variation 2065721 (VCV002065721.4), dbSNP rs147520951, ClinGen allele CA4657505.

ClinVar aggregate classification (germline): Uncertain significance (1 of 4 stars; one submission).

Allele frequency attached by ClinVar (database versions not stated): ExAC 0.00004; gnomAD exomes 0.00008; TOPMed 0.00009; gnomAD 0.00010; ESP Exome Variant Server 0.00015; 1000 Genomes Project 30x 0.00016; 1000 Genomes Project 0.00020.
gnomAD v4.1: 132 of 1,611,766 alleles (0.0082%); highest among the groups gnomAD compares: Non-Finnish European, 0.011%; no homozygotes.

Submission:

Labcorp Genetics (formerly Invitae), Labcorp
Classification: Uncertain significance. Last evaluated: 2025-12-31. Review status: criteria provided, single submitter. Criteria: Invitae Variant Classification Sherloc (09022015). Collection method: clinical testing. Allele origin: germline.
Comment: This sequence change replaces alanine, which is neutral and non-polar, with valine, which is neutral and non-polar, at codon 170 of the LZTS1 protein (p.Ala170Val). This variant is present in population databases (rs147520951, gnomAD 0.009%). This variant has not been reported in the literature in individuals affected with LZTS1-related conditions. ClinVar contains an entry for this variant (Variation ID: 2065721). Invitae Evidence Modeling of protein sequence and biophysical properties (such as structural, functional, and spatial information, amino acid conservation, physicochemical variation, residue mobility, and thermodynamic stability) indicates that this missense variant is not expected to disrupt LZTS1 protein function with a negative predictive value of 80%. In summary, the available evidence is currently insufficient to determine the role of this variant in disease. Therefore, it has been classified as a Variant of Uncertain Significance.